The following is an entry in ClinVar:

NM_006623.4(PHGDH):c.854G>A (p.Gly285Asp)

Gene: PHGDH (phosphoglycerate dehydrogenase; plus strand). Cytogenetic location: 1p12.
Variant type: single nucleotide variant.
Coding change: c.854G>A on transcript NM_006623.4 (MANE Select); coding-DNA position 854, G replaced by A.
Protein change: p.Gly285Asp; replaces glycine 285 with aspartic acid.
Molecular consequence: missense variant.
Genome position (GRCh38, 1-based): chr1:119,737,175, G>A. VCF-style: chr1-119737175-G-A. GRCh37 (hg19) VCF-style: chr1-120279798-G-A.
Other names: short protein forms G285D.
Identifiers: ClinVar variation 2141543 (VCV002141543.1), dbSNP rs1338175653, ClinGen allele CA341851235.

ClinVar aggregate classification (germline): Uncertain significance (1 of 4 stars; one submission).

Conditions:
PHGDH deficiency. Identifiers: Orphanet 79351, MedGen C1866174, MONDO:0011152, OMIM 601815.

Allele frequency attached by ClinVar (database versions not stated): TOPMed below 0.00001.

Submission:

Labcorp Genetics (formerly Invitae), Labcorp
Classification: Uncertain significance for PHGDH deficiency. Last evaluated: 2022-03-24. Review status: criteria provided, single submitter. Criteria: Invitae Variant Classification Sherloc (09022015). Collection method: clinical testing. Allele origin: germline.
Comment: This sequence change replaces glycine, which is neutral and non-polar, with aspartic acid, which is acidic and polar, at codon 285 of the PHGDH protein (p.Gly285Asp). This variant is not present in population databases (gnomAD no frequency). This variant has not been reported in the literature in individuals affected with PHGDH-related conditions. Algorithms developed to predict the effect of missense changes on protein structure and function are either unavailable or do not agree on the potential impact of this missense change (SIFT: "Deleterious"; PolyPhen-2: "Probably Damaging"; Align-GVGD: "Class C0"). In summary, the available evidence is currently insufficient to determine the role of this variant in disease. Therefore, it has been classified as a Variant of Uncertain Significance.